The following is an entry in ClinVar:

ClinVar aggregate classification (germline): Benign/Likely benign. Review status: criteria provided, multiple submitters, no conflicts (2 of 4 stars). 5 submissions from 4 submitters: Benign (2); Likely benign (3). Last evaluated 2026-01-21.

Conditions:
Metaphyseal anadysplasia. Also called: Early-onset regressive form of metaphyseal dysplasia. Identifiers: Orphanet 1040, MedGen C0432226, MONDO:0015177.
Spondyloepimetaphyseal dysplasia, Missouri type. Identifiers: Orphanet 1040, Orphanet 93356, MedGen C1865832, MONDO:0011198, OMIM 602111.

Allele frequency attached by ClinVar (database versions not stated): gnomAD exomes 0.00153; ExAC 0.00167; gnomAD 0.00566 and 0.00603; TOPMed 0.00566; ESP Exome Variant Server 0.00585; 1000 Genomes Project 30x 0.00796; 1000 Genomes Project 0.00819.
gnomAD v4.1: 1,751 of 1,613,964 alleles (0.11%); highest among the groups gnomAD compares: African/African-American, 2%; 30 homozygotes.

Submissions (5):

Labcorp Genetics (formerly Invitae), Labcorp
Classification: Benign. Last evaluated: 2026-01-21. Review status: criteria provided, single submitter. Criteria: Invitae Variant Classification Sherloc (09022015). Collection method: clinical testing. Allele origin: germline.

GeneDx
Classification: Likely benign. Last evaluated: 2019-03-03. Review status: criteria provided, single submitter. Criteria: GeneDx Variant Classification Process June 2021. Collection method: clinical testing. Allele origin: germline. Affected: yes.
Comment: See Variant Classification Assertion Criteria.

Illumina Laboratory Services, Illumina
Classification: Likely benign for Spondyloepimetaphyseal dysplasia, Missouri type. Last evaluated: 2018-01-13. Review status: criteria provided, single submitter. Criteria: ICSL Variant Classification Criteria 13 December 2019. Collection method: clinical testing. Allele origin: germline.
Comment: This variant was observed in the ICSL laboratory as part of a predisposition screen in an ostensibly healthy population. It had not been previously curated by ICSL or reported in the Human Gene Mutation Database (HGMD: prior to June 1st, 2018), and was therefore a candidate for classification through an automated scoring system. Utilizing variant allele frequency, disease prevalence and penetrance estimates, and inheritance mode, an automated score was calculated to assess if this variant is too frequent to cause the disease. Based on the score and internal cut-off values, a variant classified as likely benign is not then subjected to further curation. The score for this variant resulted in a classification of likely benign for this disease.

Illumina Laboratory Services, Illumina
Classification: Benign for Metaphyseal anadysplasia. Last evaluated: 2018-01-13. Review status: criteria provided, single submitter. Criteria: ICSL Variant Classification Criteria 13 December 2019. Collection method: clinical testing. Allele origin: germline.
Comment: This variant was observed in the ICSL laboratory as part of a predisposition screen in an ostensibly healthy population. It had not been previously curated by ICSL or reported in the Human Gene Mutation Database (HGMD: prior to June 1st, 2018), and was therefore a candidate for classification through an automated scoring system. Utilizing variant allele frequency, disease prevalence and penetrance estimates, and inheritance mode, an automated score was calculated to assess if this variant is too frequent to cause the disease. Based on the score and internal cut-off values, a variant classified as benign is not then subjected to further curation. The score for this variant resulted in a classification of benign for this disease.

Breakthrough Genomics
Classification: Likely benign. Review status: criteria provided, single submitter. Criteria: ACMG Guidelines, 2015. Collection method: not provided. Allele origin: germline. Inheritance: Autosomal recessive inheritance. Affected: yes.

NM_002427.4(MMP13):c.1169A>G (p.Asp390Gly)

Gene: MMP13 (matrix metallopeptidase 13; minus strand). Cytogenetic location: 11q22.2.
Variant type: single nucleotide variant.
Coding change: c.1169A>G on transcript NM_002427.4 (MANE Select); coding-DNA position 1169, A replaced by G.
Protein change: p.Asp390Gly; replaces aspartic acid 390 with glycine.
Molecular consequence: missense variant.
Genome position (GRCh38, 1-based): chr11:102,947,933, T>C on the plus strand (A>G on the coding strand, the complement: MMP13 is on the minus strand). VCF-style: chr11-102947933-T-C. GRCh37 (hg19) VCF-style: chr11-102818662-T-C.
Other names: short protein forms D390G.
Identifiers: ClinVar variation 301976 (VCV000301976.17), dbSNP rs17860568, ClinGen allele CA6251771.